The following is an entry in ClinVar:

NM_201384.3(PLEC):c.13066_13067delinsGC (p.Phe4356Ala)

Gene: PLEC (plectin; minus strand). Cytogenetic location: 8q24.3.
Variant type: Indel.
Coding change: c.13066_13067delinsGC on transcript NM_201384.3 (MANE Select); coding-DNA positions 13066 to 13067, TT replaced by GC.
Protein change: p.Phe4356Ala; replaces phenylalanine 4356 with alanine.
Molecular consequence: missense variant.
Genome position (GRCh38, 1-based): chr8:143,916,754-143,916,755, AA replaced by GC on the plus strand (TT replaced by GC on the coding strand, the reverse complement: PLEC is on the minus strand). VCF-style: chr8-143916754-AA-GC. GRCh37 (hg19) VCF-style: chr8-144990922-AA-GC.
Other names: c.13147_13148delinsGC, p.Phe4383Ala (NM_000445.5); c.13024_13025delinsGC, p.Phe4342Ala (NM_201378.4); c.13000_13001delinsGC, p.Phe4334Ala (NM_201379.3); c.13477_13478delinsGC, p.Phe4493Ala (NM_201380.4); c.12970_12971delinsGC, p.Phe4324Ala (NM_201381.3); c.13066_13067delinsGC, p.Phe4356Ala (NM_201382.4); c.13078_13079delinsGC, p.Phe4360Ala (NM_201383.3); short protein forms F4324A, F4383A, F4360A, F4493A, F4334A, F4342A, F4356A.
Identifiers: ClinVar variation 978513 (VCV000978513.1), dbSNP rs1820705529, ClinGen allele CA1139660791.

ClinVar aggregate classification (germline): Uncertain significance (1 of 4 stars; one submission).

Conditions:
Epidermolysis bullosa simplex 5C, with pyloric atresia (EBS5C). Also called: PLEC-Related Epidermolysis Bullosa with Pyloric Atresia; Epidermolysis bullosa simplex with pyloric atresia; PLEC1-Related Epidermolysis Bullosa with Pyloric Atresia. Identifiers: Orphanet 158684, MedGen C2677349, MONDO:0012807, OMIM 612138.
Epidermolysis bullosa simplex with nail dystrophy (EBS5D). Identifiers: MedGen C4225309, MONDO:0014661, OMIM 616487.
Epidermolysis bullosa simplex 5B, with muscular dystrophy (EBS5B). Also called: EPIDERMOLYSIS BULLOSA SIMPLEX AND LIMB-GIRDLE MUSCULAR DYSTROPHY; Epidermolysis bullosa simplex with muscular dystrophy. Identifiers: Orphanet 257, MedGen C2931072, MONDO:0009181, OMIM 226670.
Epidermolysis bullosa simplex, Ogna type (EBS5A). Also called: Pidermolysis bullosa simplex 5A, Ogna type; EPIDERMOLYSIS BULLOSA SIMPLEX 5A, OGNA TYPE. Identifiers: Orphanet 79401, MedGen C0432317, MONDO:0007555, OMIM 131950.
Autosomal recessive limb-girdle muscular dystrophy type 2Q (LGMDR17). Also called: MUSCULAR DYSTROPHY, LIMB-GIRDLE, AUTOSOMAL RECESSIVE 17. Identifiers: Orphanet 254361, MedGen C3150989, MONDO:0013390, OMIM 613723.

Submission:

Labcorp Genetics (formerly Invitae), Labcorp
Classification: Uncertain significance for Limb-girdle muscular dystrophy, type 2Q; Epidermolysis bullosa simplex, Ogna type; Epidermolysis bullosa simplex with nail dystrophy; Epidermolysis bullosa simplex with pyloric atresia; Epidermolysa bullosa simplex and limb girdle muscular dystrophy. Last evaluated: 2018-05-21. Review status: criteria provided, single submitter. Criteria: Nykamp K et al. (Genet Med 2017). Collection method: clinical testing. Allele origin: germline.
Comment: This sequence change replaces phenylalanine with alanine at codon 4383 of the PLEC protein (p.Phe4383Ala). The phenylalanine residue is moderately conserved and there is a moderate physicochemical difference between phenylalanine and alanine. This variant is not present in population databases (ExAC no frequency). This variant has not been reported in the literature in individuals with PLEC-related disease. Algorithms developed to predict the effect of missense changes on protein structure and function are either unavailable or do not agree on the potential impact of this missense change (SIFT: "Tolerated"; PolyPhen-2: "Probably Damaging"; Align-GVGD: "Class C0"). In summary, the available evidence is currently insufficient to determine the role of this variant in disease. Therefore, it has been classified as a Variant of Uncertain Significance.